The following is an entry in ClinVar:

NM_001083614.2(EARS2):c.1004A>G (p.Asn335Ser)

Gene: EARS2 (glutamyl-tRNA synthetase 2, mitochondrial; minus strand). Cytogenetic location: 16p12.2.
Variant type: single nucleotide variant.
Coding change: c.1004A>G on transcript NM_001083614.2 (MANE Select); coding-DNA position 1004, A replaced by G.
Protein change: p.Asn335Ser; replaces asparagine 335 with serine.
Molecular consequence: missense variant. On other transcripts: non-coding transcript variant (1).
Genome position (GRCh38, 1-based): chr16:23,532,720, T>C on the plus strand (A>G on the coding strand, the complement: EARS2 is on the minus strand). VCF-style: chr16-23532720-T-C. GRCh37 (hg19) VCF-style: chr16-23544041-T-C.
Other names: c.1004A>G, p.Asn335Ser (NM_001308211.1, NM_133451.1); short protein forms N335S.
Identifiers: ClinVar variation 2078546 (VCV002078546.3), dbSNP rs377250026, ClinGen allele CA7962437.

ClinVar aggregate classification (germline): Uncertain significance. Review status: criteria provided, multiple submitters, no conflicts (2 of 4 stars). 2 submissions from 2 submitters: Uncertain significance (2). Last evaluated 2026-01-19.

Allele frequency attached by ClinVar (database versions not stated): gnomAD exomes 0.00005; TOPMed 0.00005; gnomAD 0.00007; ESP Exome Variant Server 0.00016; ExAC 0.00017.
gnomAD v4.1: 87 of 1,614,028 alleles (0.0054%); highest among the groups gnomAD compares: Admixed American, 0.018%; no homozygotes.

Submissions (2):

Labcorp Genetics (formerly Invitae), Labcorp
Classification: Uncertain significance. Last evaluated: 2026-01-19. Review status: criteria provided, single submitter. Criteria: Invitae Variant Classification Sherloc (09022015). Collection method: clinical testing. Allele origin: germline.
Comment: This sequence change replaces asparagine, which is neutral and polar, with serine, which is neutral and polar, at codon 335 of the EARS2 protein (p.Asn335Ser). This variant is present in population databases (rs377250026, gnomAD 0.02%). This variant has not been reported in the literature in individuals affected with EARS2-related conditions. ClinVar contains an entry for this variant (Variation ID: 2078546). Invitae Evidence Modeling of protein sequence and biophysical properties (such as structural, functional, and spatial information, amino acid conservation, physicochemical variation, residue mobility, and thermodynamic stability) indicates that this missense variant is not expected to disrupt EARS2 protein function with a negative predictive value of 95%. In summary, the available evidence is currently insufficient to determine the role of this variant in disease. Therefore, it has been classified as a Variant of Uncertain Significance.

Blueprint Genetics
Classification: Uncertain significance. Last evaluated: 2023-09-21. Review status: criteria provided, single submitter. Criteria: ACMG Guidelines, 2015. Collection method: clinical testing. Allele origin: germline.